The following is an entry in ClinVar:

NM_004385.5(VCAN):c.7844A>G (p.Asp2615Gly)

Genes: VCAN (versican; plus strand), VCAN-AS1 (VCAN antisense RNA 1; minus strand). Cytogenetic location: 5q14.3.
Variant type: single nucleotide variant.
Coding change: c.7844A>G on transcript NM_004385.5 (MANE Select); coding-DNA position 7844, A replaced by G.
Protein change: p.Asp2615Gly; replaces aspartic acid 2615 with glycine.
Molecular consequence: missense variant. On other transcripts: intron variant (2).
Genome position (GRCh38, 1-based): chr5:83,540,847, A>G. VCF-style: chr5-83540847-A-G. GRCh37 (hg19) VCF-style: chr5-82836666-A-G.
Other names: c.4004-4690A>G (NM_001164098.2); c.1043-4690A>G (NM_001126336.3); c.4883A>G, p.Asp1628Gly (NM_001164097.2); short protein forms D1628G, D2615G.
Identifiers: ClinVar variation 1995069 (VCV001995069.4), dbSNP rs1245716289, ClinGen allele CA360315640.

ClinVar aggregate classification (germline): Uncertain significance (1 of 4 stars; one submission).

Submission:

Labcorp Genetics (formerly Invitae), Labcorp
Classification: Uncertain significance. Last evaluated: 2023-12-11. Review status: criteria provided, single submitter. Criteria: Invitae Variant Classification Sherloc (09022015). Collection method: clinical testing. Allele origin: germline.
Comment: This sequence change replaces aspartic acid, which is acidic and polar, with glycine, which is neutral and non-polar, at codon 2615 of the VCAN protein (p.Asp2615Gly). This variant is not present in population databases (gnomAD no frequency). This variant has not been reported in the literature in individuals affected with VCAN-related conditions. ClinVar contains an entry for this variant (Variation ID: 1995069). An algorithm developed to predict the effect of missense changes on protein structure and function (PolyPhen-2) suggests that this variant is likely to be tolerated. In summary, the available evidence is currently insufficient to determine the role of this variant in disease. Therefore, it has been classified as a Variant of Uncertain Significance.